The following is an entry in ClinVar:

ClinVar aggregate classification (germline): Uncertain significance (1 of 4 stars; one submission).

Submission:

GeneDx
Classification: Uncertain significance. Last evaluated: 2024-03-22. Review status: criteria provided, single submitter. Criteria: GeneDx Variant Classification Process June 2021. Collection method: clinical testing. Allele origin: germline. Affected: yes.
Comment: Not observed at significant frequency in large population cohorts (gnomAD); In silico analysis supports that this missense variant does not alter protein structure/function; Has not been previously published as pathogenic or benign to our knowledge

NM_016284.5(CNOT1):c.301T>C (p.Tyr101His)

Gene: CNOT1 (CCR4-NOT transcription complex subunit 1; minus strand). Cytogenetic location: 16q21.
Variant type: single nucleotide variant.
Coding change: c.301T>C on transcript NM_016284.5 (MANE Select); coding-DNA position 301, T replaced by C.
Protein change: p.Tyr101His; replaces tyrosine 101 with histidine.
Molecular consequence: missense variant. On other transcripts: non-coding transcript variant (1).
Genome position (GRCh38, 1-based): chr16:58,587,788, A>G on the plus strand (T>C on the coding strand, the complement: CNOT1 is on the minus strand). VCF-style: chr16-58587788-A-G. GRCh37 (hg19) VCF-style: chr16-58621692-A-G.
Other names: c.301T>C, p.Tyr101His (NM_001265612.2, NM_206999.3); short protein forms Y101H.
Identifiers: ClinVar variation 3371225 (VCV003371225.1).
Genomic context (GRCh38, chr16:58,587,788, plus strand): 5'-TTTAGAAAGCCTAAGGAGAGATCACACTCTTAAAGATAATAGTAATACCAACCTTCTGAT[A>G]GTGCAATGGATTATCAATGGCATAGGACAGCGTCGAGATAAAATTTGGCTTTGTAATCAG-3'
Protein context (NP_057368.3, residues 91-111): LSYAIDNPLH[Tyr101His]QKSLKPAPHL